The following is an entry in ClinVar:

ClinVar aggregate classification (germline): Uncertain significance (1 of 4 stars; one submission).

Submission:

GeneDx
Classification: Uncertain significance. Last evaluated: 2020-01-09. Review status: criteria provided, single submitter. Criteria: GeneDx Variant Classification Process June 2021. Collection method: clinical testing. Allele origin: germline. Affected: yes.
Comment: Not observed in large population cohorts (Lek et al., 2016); In silico analysis, which includes protein predictors and evolutionary conservation, supports that this variant does not alter protein structure/function; Has not been previously published as pathogenic or benign to our knowledge

NM_001164507.2(NEB):c.21361G>A (p.Val7121Ile)

Genes: NEB (nebulin; minus strand), RIF1 (replication timing regulatory factor 1; plus strand). Cytogenetic location: 2q23.3.
Variant type: single nucleotide variant.
Coding change: c.21361G>A on transcript NM_001164507.2 (MANE Plus Clinical); coding-DNA position 21361, G replaced by A.
Protein change: p.Val7121Ile; replaces valine 7121 with isoleucine.
Molecular consequence: missense variant. On other transcripts: intron variant (1).
Genome position (GRCh38, 1-based): chr2:151,534,271, C>T on the plus strand (G>A on the coding strand, the complement: NEB is on the minus strand). VCF-style: chr2-151534271-C-T. GRCh37 (hg19) VCF-style: chr2-152390785-C-T.
Other names: c.21361G>A, p.Val7121Ile (NM_001271208.2); c.16258G>A, p.Val5420Ile (NM_004543.5); c.21313-725G>A (NM_001164508.2); short protein forms V5420I, V7121I.
Identifiers: ClinVar variation 1311759 (VCV001311759.2), dbSNP rs2153521567, ClinGen allele CA348772332.